The following is an entry in ClinVar:

NM_004260.4(RECQL4):c.2109T>C (p.Ile703=)

Gene: RECQL4 (RecQ like helicase 4; minus strand). Cytogenetic location: 8q24.3.
Variant type: single nucleotide variant.
Coding change: c.2109T>C on transcript NM_004260.4 (MANE Select); coding-DNA position 2109, T replaced by C.
Protein change: p.Ile703=; no amino-acid change (isoleucine 703 retained).
Molecular consequence: synonymous variant.
Genome position (GRCh38, 1-based): chr8:144,513,662, A>G on the plus strand (T>C on the coding strand, the complement: RECQL4 is on the minus strand). VCF-style: chr8-144513662-A-G. GRCh37 (hg19) VCF-style: chr8-145739046-A-G.
Identifiers: ClinVar variation 705577 (VCV000705577.34), dbSNP rs759753484, ClinGen allele CA4948469.

ClinVar aggregate classification (germline): Likely benign. Review status: criteria provided, multiple submitters, no conflicts (2 of 4 stars). 3 submissions from 3 submitters: Likely benign (3). Last evaluated 2025-06-15.

Conditions:
Inborn genetic diseases. Identifiers: MedGen C0950123, MeSH D030342.
Baller-Gerold syndrome (BGS). Also called: CRANIOSYNOSTOSIS WITH RADIAL DEFECTS. Identifiers: Orphanet 1225, MedGen C0265308, MONDO:0009039, OMIM 218600.

Allele frequency attached by ClinVar (database versions not stated): gnomAD exomes 0.00001 and 0.00002; gnomAD 0.00002 and 0.00004; TOPMed 0.00002; ExAC 0.00007.

Submissions (3):

Labcorp Genetics (formerly Invitae), Labcorp
Classification: Likely benign for Baller-Gerold syndrome. Last evaluated: 2025-06-15. Review status: criteria provided, single submitter. Criteria: Invitae Variant Classification Sherloc (09022015). Collection method: clinical testing. Allele origin: germline.

Ambry Genetics
Classification: Likely benign for Inborn genetic diseases. Last evaluated: 2025-01-24. Review status: criteria provided, single submitter. Criteria: Ambry Variant Classification Scheme 2023. Collection method: clinical testing. Allele origin: germline.

CeGaT Center for Human Genetics Tuebingen
Classification: Likely benign. Last evaluated: 2023-06-01. Review status: criteria provided, single submitter. Criteria: CeGaT Center For Human Genetics Tuebingen Variant Classification Criteria Version 2. Collection method: clinical testing. Allele origin: germline. Affected: yes. Observed: 1 variant allele.
Comment: RECQL4: BP4, BP7